The following is an entry in ClinVar:

NM_000161.3(GCH1):c.292G>C (p.Ala98Pro)

Gene: GCH1 (GTP cyclohydrolase 1; minus strand). Cytogenetic location: 14q22.2.
Variant type: single nucleotide variant.
Coding change: c.292G>C on transcript NM_000161.3 (MANE Select); coding-DNA position 292, G replaced by C.
Protein change: p.Ala98Pro; replaces alanine 98 with proline.
Molecular consequence: missense variant.
Genome position (GRCh38, 1-based): chr14:54,902,372, C>G on the plus strand (G>C on the coding strand, the complement: GCH1 is on the minus strand). VCF-style: chr14-54902372-C-G. GRCh37 (hg19) VCF-style: chr14-55369090-C-G.
Other names: c.292G>C, p.Ala98Pro (NM_001024024.2, NM_001024070.2, NM_001024071.2 and 1 more transcripts); short protein forms A98P.
Identifiers: ClinVar variation 4536648 (VCV004536648.1).

ClinVar aggregate classification (germline): Uncertain significance (1 of 4 stars; one submission).

Submission:

Women's Health and Genetics/Laboratory Corporation of America, LabCorp
Classification: Uncertain significance. Last evaluated: 2025-11-17. Review status: criteria provided, single submitter. Criteria: LabCorp Variant Classification Summary - May 2015. Collection method: clinical testing. Allele origin: germline.
Comment: Variant summary: GCH1 c.292G>C (p.Ala98Pro) results in a non-conservative amino acid change in the encoded protein sequence. Algorithms developed to predict the effect of missense changes on protein structure and function all suggest that this variant is likely to be disruptive. The variant was absent in 248626 control chromosomes. The available data on variant occurrences in the general population are insufficient to allow any conclusion about variant significance. To our knowledge, no occurrence of c.292G>C in individuals affected with GCH1-related conditions and no experimental evidence demonstrating its impact on protein function have been reported. No submitters have cited clinical-significance assessments for this variant to ClinVar. Based on the evidence outlined above, the variant was classified as uncertain significance.